The following is an entry in ClinVar:

ClinVar aggregate classification (germline): Uncertain significance (1 of 4 stars; one submission).

Conditions:
Hereditary cancer-predisposing syndrome. Also called: Neoplastic Syndromes, Hereditary; Hereditary Cancer Syndrome; Hereditary neoplastic syndrome; Tumor predisposition. Identifiers: Orphanet 140162, MedGen C0027672, MeSH D009386, MONDO:0015356.

Submission:

Ambry Genetics
Classification: Uncertain significance for Hereditary cancer-predisposing syndrome. Last evaluated: 2023-05-26. Review status: criteria provided, single submitter. Criteria: Ambry Variant Classification Scheme 2023. Collection method: clinical testing. Allele origin: germline.
Comment: The p.D575Y variant (also known as c.1723G>T), located in coding exon 9 of the DICER1 gene, results from a G to T substitution at nucleotide position 1723. The aspartic acid at codon 575 is replaced by tyrosine, an amino acid with highly dissimilar properties. This amino acid position is conserved. In addition, the in silico prediction for this alteration is inconclusive. Since supporting evidence is limited at this time, the clinical significance of this alteration remains unclear.

NM_177438.3(DICER1):c.1723G>T (p.Asp575Tyr)

Gene: DICER1 (dicer 1, ribonuclease III; minus strand). Cytogenetic location: 14q32.13.
Variant type: single nucleotide variant.
Coding change: c.1723G>T on transcript NM_177438.3 (MANE Select); coding-DNA position 1723, G replaced by T.
Protein change: p.Asp575Tyr; replaces aspartic acid 575 with tyrosine.
Molecular consequence: missense variant. On other transcripts: non-coding transcript variant (6).
Genome position (GRCh38, 1-based): chr14:95,116,482, C>A on the plus strand (G>T on the coding strand, the complement: DICER1 is on the minus strand). VCF-style: chr14-95116482-C-A. GRCh37 (hg19) VCF-style: chr14-95582819-C-A.
Other names: c.1723G>T, p.Asp575Tyr (NM_001195573.1, NM_001271282.3, NM_001291628.2 and 13 more transcripts); c.1441G>T, p.Asp481Tyr (NM_001395686.1); c.1318G>T, p.Asp440Tyr (NM_001395687.1, NM_001395688.1, NM_001395689.1 and 3 more transcripts); c.1156G>T, p.Asp386Tyr (NM_001395691.1); c.40G>T, p.Asp14Tyr (NM_001395697.1); short protein forms D14Y, D481Y, D386Y, D575Y, D440Y.
Identifiers: ClinVar variation 2566216 (VCV002566216.2), dbSNP rs2140123157, ClinGen allele CA390884706.